The following is an entry in ClinVar:

ClinVar aggregate classification (germline): Pathogenic/Likely pathogenic. Review status: criteria provided, multiple submitters, no conflicts (2 of 4 stars). 4 submissions from 4 submitters: Pathogenic (2); Likely pathogenic (1). 1 of the submissions does not count toward it. Last evaluated 2026-09-12.

Conditions:
CLCN2-related disorder. Also called: CLCN2-related condition; CLCN2-related disorders.
Leukoencephalopathy with mild cerebellar ataxia and white matter edema (LKPAT). Also called: Leukoencephalopathy with white matter edema; Brain white matter edema; Leukoencephalopathy with ataxia; CLCN2-Related Leukoencephalopathy. Identifiers: Orphanet 363540, MedGen C4554120, MONDO:0014292, OMIM 615651. Disease mechanism: loss of function.
Epilepsy, idiopathic generalized, susceptibility to, 11 (EIG11). Identifiers: Orphanet 307, MedGen C2750893, MONDO:0011875, OMIM 607628.
Familial hyperaldosteronism type II. Also called: FH II. Identifiers: Orphanet 404, MedGen C1854107, MONDO:0011576, OMIM 605635.

Allele frequency attached by ClinVar (database versions not stated): gnomAD 0.00001; gnomAD exomes 0.00001 and 0.00002; TOPMed 0.00003.

Submissions (4):

GeneDx
Classification: Pathogenic. Last evaluated: 2026-09-12. Review status: criteria provided, single submitter. Criteria: GeneDx Variant Classification Process June 2021. Collection method: clinical testing. Allele origin: germline.
Comment: Frameshift variant predicted to result in protein truncation or nonsense mediated decay in a gene for which loss of function is a known mechanism of disease; Not observed at significant frequency in large population cohorts (gnomAD); This variant is associated with the following publications: (PMID: 26539602, 23707145)

Fulgent Genetics
Classification: Pathogenic for Familial hyperaldosteronism type II; Epilepsy, idiopathic generalized, susceptibility to, 11; Leukoencephalopathy with mild cerebellar ataxia and white matter edema. Last evaluated: 2023-12-29. Review status: criteria provided, single submitter. Criteria: ACMG Guidelines, 2015. Collection method: clinical testing. Allele origin: germline.

Blueprint Genetics
Classification: Likely pathogenic for CLCN2-related disorders. Last evaluated: 2021-07-28. Review status: criteria provided, single submitter. Criteria: ACMG Guidelines, 2015. Collection method: clinical testing. Allele origin: germline. Affected: yes. Observed: 2 variant alleles.

GeneReviews
No classification provided. Condition: Leukoencephalopathy with mild cerebellar ataxia and white matter edema. Review status: no classification provided. Collection method: literature only. Allele origin: germline. Affected: yes. Not counted in ClinVar's aggregate classification.

Literature cited by the submitters: PubMed 23707145 (cited by GeneReviews); NCBI Bookshelf NBK326661 (cited by GeneReviews).

NM_004366.6(CLCN2):c.1143del (p.Gly382fs)

Gene: CLCN2 (chloride voltage-gated channel 2; minus strand). Cytogenetic location: 3q27.1.
Variant type: Deletion.
Coding change: c.1143del on transcript NM_004366.6 (MANE Select); coding-DNA position 1143, one base deleted (T; older notation c.1143delT).
Protein change: p.Gly382fs; shifts the reading frame from glycine 382.
Molecular consequence: frameshift variant.
Genome position (GRCh38, 1-based): chr3:184,355,721, A deleted on the plus strand (T on the coding strand, the reverse complement: CLCN2 is on the minus strand). VCF-style (leftmost placement, unchanged base first): chr3-184355720-CA-C. GRCh37 (hg19) VCF-style: chr3-184073508-CA-C.
Other names: c.1143del (NM_004366.4); c.1143del, p.Gly382fs (NM_001171087.3, NM_001171089.3); c.1011del, p.Gly338fs (NM_001171088.3); c.1143delT (NM_004366.4); short protein forms G382fs, G338fs.
Identifiers: ClinVar variation 217788 (VCV000217788.6), dbSNP rs863225252, ClinGen allele CA347606.